The following is an entry in ClinVar:

NC_000023.10:g.(?_31697472)_(31950364_?)dup

Gene: DMD (dystrophin; minus strand). Cytogenetic location: Xp21.1.
Variant type: Duplication.
Identifiers: ClinVar variation 1455879 (VCV001455879.5).

ClinVar aggregate classification (germline): Pathogenic (1 of 4 stars; one submission).

Conditions:
Duchenne muscular dystrophy (DMD). Also called: Duchenne Muscular Dystrophy (DMD); MUSCULAR DYSTROPHY, PSEUDOHYPERTROPHIC PROGRESSIVE, DUCHENNE TYPE. Identifiers: Orphanet 98896, MedGen C0013264, MONDO:0010679, OMIM 310200.

Submission:

Labcorp Genetics (formerly Invitae), Labcorp
Classification: Pathogenic for Duchenne muscular dystrophy. Last evaluated: 2021-10-03. Review status: criteria provided, single submitter. Criteria: Invitae Variant Classification Sherloc (09022015). Collection method: clinical testing. Allele origin: germline.
Comment: This variant results in a copy number gain of the genomic region encompassing exon(s) 46-53 of the DMD gene. While the exact position of this variant cannot be determined from the data, sub-genic copy number gains are generally in tandem (PMID: 25640679). This variant is predicted to be out-of-frame, and may result in an absent or disrupted protein product. Loss-of-function variants in DMD are known to be pathogenic (PMID: 16770791, 25007885). A similar copy number variant has been observed in individual(s) with Duchenne muscular dystrophy (PMID: 15655674). In at least one individual the variant was observed to be de novo. For these reasons, this variant has been classified as Pathogenic.

Literature cited by the submitters: PubMed 25640679; PubMed 16770791; PubMed 25007885; PubMed 15655674.